The following is an entry in ClinVar:

NM_000091.5(COL4A3):c.3929G>C (p.Gly1310Ala)

Genes: MFF-DT (MFF divergent transcript; minus strand), COL4A3 (collagen type IV alpha 3 chain; plus strand). Cytogenetic location: 2q36.3.
Variant type: single nucleotide variant.
Coding change: c.3929G>C on transcript NM_000091.5 (MANE Select); coding-DNA position 3929, G replaced by C.
Protein change: p.Gly1310Ala; replaces glycine 1310 with alanine.
Molecular consequence: missense variant.
Genome position (GRCh38, 1-based): chr2:227,303,084, G>C. VCF-style: chr2-227303084-G-C. GRCh37 (hg19) VCF-style: chr2-228167800-G-C.
Other names: short protein forms G1310A.
Identifiers: ClinVar variation 4817261 (VCV004817261.1).

ClinVar aggregate classification (germline): Likely pathogenic (1 of 4 stars; one submission).

Conditions:
Alport syndrome. Also called: Hemorrhagic familial nephritis; Hemorrhagic hereditary nephritis; Congenital hereditary hematuria. Identifiers: Orphanet 63, MedGen C1567741, MONDO:0018965.

Submission:

Natera, Inc.
Classification: Likely pathogenic for Alport syndrome. Last evaluated: 2025-09-15. Review status: criteria provided, single submitter. Criteria: Natera Variant Classification Schema (03/2026). Collection method: clinical testing. Allele origin: germline.
Comment: The c.3929G>C variant in COL4A3 is a missense variant predicted to cause substitution of glycine to alanine at amino acid 1310. This variant is rare in the general population with a frequency below the threshold expected for the associated phenotype(s). This variant is located in a functionally critical region of the protein. Computational prediction algorithms indicate this variant is likely to affect gene or protein function. Given the available evidence, this variant is classified as Likely Pathogenic.